The following is an entry in ClinVar:

ClinVar aggregate classification (germline): Benign/Likely benign. Review status: criteria provided, multiple submitters, no conflicts (2 of 4 stars). 5 submissions from 5 submitters: Benign (1); Likely benign (4). Last evaluated 2025-11-04.

Conditions:
Hereditary nonpolyposis colorectal neoplasms. Identifiers: MedGen C0009405, MeSH D003123.
Hereditary cancer-predisposing syndrome. Also called: Neoplastic Syndromes, Hereditary; Hereditary Cancer Syndrome; Hereditary neoplastic syndrome; Tumor predisposition. Identifiers: Orphanet 140162, MedGen C0027672, MeSH D009386, MONDO:0015356.
Lynch syndrome 4 (LYNCH4). Also called: Colorectal cancer, hereditary nonpolyposis, type 4; Hereditary non-polyposis colorectal cancer, type 4. Identifiers: Orphanet 144, MedGen C1838333, MONDO:0013699, OMIM 614337. Disease mechanism: loss of function.

Submissions (5):

Labcorp Genetics (formerly Invitae), Labcorp
Classification: Likely benign for Hereditary nonpolyposis colorectal neoplasms. Last evaluated: 2025-11-04. Review status: criteria provided, single submitter. Criteria: Invitae Variant Classification Sherloc (09022015). Collection method: clinical testing. Allele origin: germline.

Myriad Genetics, Inc.
Classification: Benign for Lynch syndrome 4. Last evaluated: 2025-01-29. Review status: criteria provided, single submitter. Criteria: Myriad Autosomal Dominant, Autosomal Recessive and X-Linked Classification Criteria (2023). Collection method: clinical testing. Allele origin: unknown.
Comment: This variant is considered benign. This variant is a silent/synonymous amino acid change and it is not expected to impact splicing.

Blueprint Genetics
Classification: Likely benign. Last evaluated: 2019-08-27. Review status: criteria provided, single submitter. Criteria: ACMG Guidelines, 2015. Collection method: clinical testing. Allele origin: germline.

Color Diagnostics, LLC DBA Color Health
Classification: Likely benign for Hereditary cancer-predisposing syndrome. Last evaluated: 2018-06-22. Review status: criteria provided, single submitter. Criteria: ACMG Guidelines, 2015. Collection method: clinical testing. Allele origin: germline.

Ambry Genetics
Classification: Likely benign for Hereditary cancer-predisposing syndrome. Last evaluated: 2016-02-17. Review status: criteria provided, single submitter. Criteria: Ambry Variant Classification Scheme 2023. Collection method: clinical testing. Allele origin: germline.

NM_000535.7(PMS2):c.1032G>A (p.Leu344=)

Gene: PMS2 (PMS1 homolog 2, mismatch repair system component; minus strand). Cytogenetic location: 7p22.1.
Variant type: single nucleotide variant.
Coding change: c.1032G>A on transcript NM_000535.7 (MANE Select); coding-DNA position 1032, G replaced by A.
Protein change: p.Leu344=; no amino-acid change (leucine 344 retained).
Molecular consequence: synonymous variant. On other transcripts: non-coding transcript variant (1), intron variant (2).
Genome position (GRCh38, 1-based): chr7:5,989,912, C>T on the plus strand (G>A on the coding strand, the complement: PMS2 is on the minus strand). VCF-style: chr7-5989912-C-T. GRCh37 (hg19) VCF-style: chr7-6029543-C-T.
Other names: c.627G>A, p.Leu209= (NM_001322003.2, NM_001322004.2, NM_001322005.2 and 1 more transcripts); c.714G>A, p.Leu238= (NM_001322007.2, NM_001322008.2); c.99G>A, p.Leu33= (NM_001322011.2, NM_001322012.2); c.459G>A, p.Leu153= (NM_001322013.2); c.1032G>A, p.Leu344= (NM_001322014.2); c.723G>A, p.Leu241= (NM_001322015.2); c.583+2061G>A (NM_001322010.2); c.988+2061G>A (NM_001322006.2).
Identifiers: ClinVar variation 455634 (VCV000455634.17), dbSNP rs1554298791, ClinGen allele CA453644212.